The following is an entry in ClinVar:

NM_001374736.1(DST):c.2668A>G (p.Arg890Gly)

Gene: DST (dystonin; minus strand). Cytogenetic location: 6p12.1.
Variant type: single nucleotide variant.
Coding change: c.2668A>G on transcript NM_001374736.1 (MANE Select); coding-DNA position 2668, A replaced by G.
Protein change: p.Arg890Gly; replaces arginine 890 with glycine.
Molecular consequence: missense variant.
Genome position (GRCh38, 1-based): chr6:56,639,725, T>C on the plus strand (A>G on the coding strand, the complement: DST is on the minus strand). VCF-style: chr6-56639725-T-C. GRCh37 (hg19) VCF-style: chr6-56504523-T-C.
Other names: c.2569A>G, p.Arg857Gly (NM_001144769.5); c.2155A>G, p.Arg719Gly (NM_001144770.2); c.2668A>G, p.Arg890Gly (NM_001374722.1); c.2035A>G, p.Arg679Gly (NM_001374729.1, NM_001374730.1, NM_001386100.1 and 1 more transcripts); c.2695A>G, p.Arg899Gly (NM_001374734.1); c.1057A>G, p.Arg353Gly (NM_001723.7, NM_015548.5); short protein forms R353G, R719G, R679G, R857G, R890G, R899G.
Identifiers: ClinVar variation 541458 (VCV000541458.10), dbSNP rs777218403, ClinGen allele CA3871362.
Genomic context (GRCh38, chr6:56,639,725, plus strand): 5'-GGAAACAGAAGGTTTAAAAAAAAAAACTTACCAAGAGTTTTGCATACTGACTCTCTAATC[T>C]GTGCAACTTTTCTGCATAAGTCAGTTTAAGAGGTGCTGTCATTTGAATCTATAACATGAG-3'
Protein context (NP_001361665.1, residues 880-900): LKLTYAEKLH[Arg890Gly]LESQYAKLLN

ClinVar aggregate classification (germline): Uncertain significance. Review status: criteria provided, multiple submitters, no conflicts (2 of 4 stars). 2 submissions from 2 submitters: Uncertain significance (2). Last evaluated 2026-08-11.

Conditions:
DST-related disorder. Also called: DST-related disorders; DST-related condition.
Epidermolysis bullosa simplex 3, localized or generalized intermediate, with BP230 deficiency (EBS3). Also called: Epidermolysis bullosa simplex due to BP230 deficiency; Epidermolysis bullosa simplex, autosomal recessive 2. Identifiers: Orphanet 412181, MedGen C3809470, MONDO:0014180, OMIM 615425.
Hereditary sensory and autonomic neuropathy type 6. Also called: Neuropathy, hereditary sensory and autonomic, type VI; HSAN VI. Identifiers: Orphanet 314381, MedGen C3539003, MONDO:0013839, OMIM 614653.

Allele frequency attached by ClinVar (database versions not stated): gnomAD exomes below 0.00001; ExAC 0.00001; gnomAD 0.00001.
gnomAD v4.1: 4 of 1,613,674 alleles (0.00025%); highest among the groups gnomAD compares: Non-Finnish European, 0.00034%; no homozygotes.

Submissions (2):

PreventionGenetics, part of Exact Sciences
Classification: Uncertain significance for DST-related condition. Last evaluated: 2026-08-11. Review status: criteria provided, single submitter. Criteria: ACMG Guidelines, 2015. Collection method: clinical testing. Allele origin: germline.
Comment: The DST c.1057A>G variant is predicted to result in the amino acid substitution p.Arg353Gly. To our knowledge, this variant has not been reported in the literature. This variant is reported in 0.00088% of alleles in individuals of European (Non-Finnish) descent in gnomAD. At this time, the clinical significance of this variant is uncertain due to the absence of conclusive functional and genetic evidence.

Labcorp Genetics (formerly Invitae), Labcorp
Classification: Uncertain significance for Epidermolysis bullosa simplex 3, localized or generalized intermediate, with BP230 deficiency; Hereditary sensory and autonomic neuropathy type 6. Last evaluated: 2022-09-06. Review status: criteria provided, single submitter. Criteria: Invitae Variant Classification Sherloc (09022015). Collection method: clinical testing. Allele origin: germline.
Comment: This sequence change replaces arginine, which is basic and polar, with glycine, which is neutral and non-polar, at codon 353 of the DST protein (p.Arg353Gly). This variant is present in population databases (rs777218403, gnomAD 0.0009%). This variant has not been reported in the literature in individuals affected with DST-related conditions. ClinVar contains an entry for this variant (Variation ID: 541458). Algorithms developed to predict the effect of missense changes on protein structure and function are either unavailable or do not agree on the potential impact of this missense change (SIFT: "Deleterious"; PolyPhen-2: "Benign"; Align-GVGD: "Class C45"). In summary, the available evidence is currently insufficient to determine the role of this variant in disease. Therefore, it has been classified as a Variant of Uncertain Significance.